The following is an entry in ClinVar:

ClinVar aggregate classification (germline): Uncertain significance. Review status: criteria provided, multiple submitters, no conflicts (2 of 4 stars). 2 submissions from 2 submitters: Uncertain significance (2). Last evaluated 2024-08-27.

Allele frequency attached by ClinVar (database versions not stated): ExAC 0.00001; gnomAD 0.00001; TOPMed 0.00002; ESP Exome Variant Server 0.00008.

Submissions (2):

Ambry Genetics
Classification: Uncertain significance. Last evaluated: 2024-08-27. Review status: criteria provided, single submitter. Criteria: Ambry Variant Classification Scheme 2023. Collection method: clinical testing. Allele origin: germline.

Labcorp Genetics (formerly Invitae), Labcorp
Classification: Uncertain significance. Last evaluated: 2022-07-06. Review status: criteria provided, single submitter. Criteria: Invitae Variant Classification Sherloc (09022015). Collection method: clinical testing. Allele origin: germline.
Comment: ClinVar contains an entry for this variant (Variation ID: 1054209). This variant has not been reported in the literature in individuals affected with PITPNM3-related conditions. This variant is present in population databases (rs368003216, gnomAD 0.0009%). This sequence change replaces proline, which is neutral and non-polar, with leucine, which is neutral and non-polar, at codon 337 of the PITPNM3 protein (p.Pro337Leu). Algorithms developed to predict the effect of missense changes on protein structure and function output the following: SIFT: "Tolerated"; PolyPhen-2: "Benign"; Align-GVGD: "Class C0". The leucine amino acid residue is found in multiple mammalian species, which suggests that this missense change does not adversely affect protein function. In summary, the available evidence is currently insufficient to determine the role of this variant in disease. Therefore, it has been classified as a Variant of Uncertain Significance.

NM_031220.4(PITPNM3):c.1010C>T (p.Pro337Leu)

Gene: PITPNM3 (PITPNM family member 3; minus strand). Cytogenetic location: 17p13.2.
Variant type: single nucleotide variant.
Coding change: c.1010C>T on transcript NM_031220.4 (MANE Select); coding-DNA position 1010, C replaced by T.
Protein change: p.Pro337Leu; replaces proline 337 with leucine.
Molecular consequence: missense variant.
Genome position (GRCh38, 1-based): chr17:6,477,104, G>A on the plus strand (C>T on the coding strand, the complement: PITPNM3 is on the minus strand). VCF-style: chr17-6477104-G-A. GRCh37 (hg19) VCF-style: chr17-6380424-G-A.
Other names: c.902C>T, p.Pro301Leu (NM_001165966.2); c.1010C>T (NM_031220.3); short protein forms P301L, P337L.
Identifiers: ClinVar variation 1054209 (VCV001054209.10), dbSNP rs368003216, ClinGen allele CA8329652.